The following is an entry in ClinVar:

NM_014762.4(DHCR24):c.673G>T (p.Val225Leu)

Gene: DHCR24 (24-dehydrocholesterol reductase; minus strand). Cytogenetic location: 1p32.3.
Variant type: single nucleotide variant.
Coding change: c.673G>T on transcript NM_014762.4 (MANE Select); coding-DNA position 673, G replaced by T.
Protein change: p.Val225Leu; replaces valine 225 with leucine.
Molecular consequence: missense variant.
Genome position (GRCh38, 1-based): chr1:54,871,553, C>A on the plus strand (G>T on the coding strand, the complement: DHCR24 is on the minus strand). VCF-style: chr1-54871553-C-A. GRCh37 (hg19) VCF-style: chr1-55337226-C-A.
Other names: short protein forms V225L.
Identifiers: ClinVar variation 2107861 (VCV002107861.4), dbSNP rs2524727546, ClinGen allele CA340458379.

ClinVar aggregate classification (germline): Uncertain significance (1 of 4 stars; one submission).

Submission:

Labcorp Genetics (formerly Invitae), Labcorp
Classification: Uncertain significance. Last evaluated: 2022-03-09. Review status: criteria provided, single submitter. Criteria: Invitae Variant Classification Sherloc (09022015). Collection method: clinical testing. Allele origin: germline.
Comment: In summary, the available evidence is currently insufficient to determine the role of this variant in disease. Therefore, it has been classified as a Variant of Uncertain Significance. Algorithms developed to predict the effect of missense changes on protein structure and function (SIFT, PolyPhen-2, Align-GVGD) all suggest that this variant is likely to be disruptive. This variant has not been reported in the literature in individuals affected with DHCR24-related conditions. This variant is not present in population databases (gnomAD no frequency). This sequence change replaces valine, which is neutral and non-polar, with leucine, which is neutral and non-polar, at codon 225 of the DHCR24 protein (p.Val225Leu).